The following is an entry in ClinVar:

ClinVar aggregate classification (germline): Pathogenic (1 of 4 stars; one submission).

Submission:

Labcorp Genetics (formerly Invitae), Labcorp
Classification: Pathogenic. Last evaluated: 2021-10-11. Review status: criteria provided, single submitter. Criteria: Invitae Variant Classification Sherloc (09022015). Collection method: clinical testing. Allele origin: germline.
Comment: This variant is a gross deletion of the genomic region encompassing exon(s) 9 of the AGXT gene. This variant would be expected to be in-frame, preserving the integrity of the reading frame. A similar copy number variant has been observed in individual(s) with hyperoxaluria (PMID: 15963748). This variant disrupts a region of the AGXT protein in which other variant(s) (p.Arg289Cys and p.Leu298Pro) have been observed in individuals with AGXT-related conditions (PMID: 10541294). This suggests that this is a clinically significant region of the protein, and that variants that disrupt it are likely to be disease-causing. For these reasons, this variant has been classified as Pathogenic.

Literature cited by the submitters: PubMed 15963748; PubMed 10541294.

NC_000002.11:g.(?_241816944)_(241817059_?)del

Gene: AGXT (alanine--glyoxylate aminotransferase; plus strand). Cytogenetic location: 2q37.3.
Variant type: Deletion.
Identifiers: ClinVar variation 1459881 (VCV001459881.3).